The following is an entry in ClinVar:

NM_000158.4(GBE1):c.1176C>A (p.Tyr392Ter)

Gene: GBE1 (1,4-alpha-glucan branching enzyme 1; minus strand). Cytogenetic location: 3p12.2.
Variant type: single nucleotide variant.
Coding change: c.1176C>A on transcript NM_000158.4 (MANE Select); coding-DNA position 1176, C replaced by A.
Protein change: p.Tyr392Ter; replaces tyrosine 392 with a stop codon.
Molecular consequence: nonsense.
Genome position (GRCh38, 1-based): chr3:81,591,097, G>T on the plus strand (C>A on the coding strand, the complement: GBE1 is on the minus strand). VCF-style: chr3-81591097-G-T. GRCh37 (hg19) VCF-style: chr3-81640248-G-T.
Other names: short protein forms Y392*.
Identifiers: ClinVar variation 5006700 (VCV005006700.2).

ClinVar aggregate classification (germline): Likely pathogenic (1 of 4 stars; one submission).

Conditions:
Glycogen storage disease, type IV (GSD4). Also called: AMYLOPECTINOSIS; ANDERSEN DISEASE; BRANCHER DEFICIENCY; CIRRHOSIS, FAMILIAL, WITH DEPOSITION OF ABNORMAL GLYCOGEN; Glycogen storage disease due to glycogen branching enzyme deficiency; GBE1 DEFICIENCY. Identifiers: Orphanet 367, MedGen C0017923, MONDO:0009292, OMIM 232500.
Adult polyglucosan body disease (APBN). Also called: GBE1-Adult Polyglucosan Body Disease; POLYGLUCOSAN BODY DISEASE, ADULT FORM. Identifiers: Orphanet 206583, MedGen C1849722, MONDO:0009897, OMIM 263570.

Submission:

Juno Genomics, Hangzhou Juno Genomics, Inc
Classification: Likely pathogenic for Glycogen storage disease, type IV; Adult polyglucosan body disease. Review status: criteria provided, single submitter. Criteria: ACMG Guidelines, 2015. Collection method: clinical testing. Allele origin: germline.
Comment: Null variant in a gene where loss of function (LOF) is a known mechanism of disease.;Absent from controls (or at extremely low frequency if recessive) in Genome Aggregation Database.